The following is an entry in ClinVar:

NM_000489.6(ATRX):c.35A>G (p.Asn12Ser)

Gene: ATRX (ATRX chromatin remodeler; minus strand). Cytogenetic location: Xq21.1.
Variant type: single nucleotide variant.
Coding change: c.35A>G on transcript NM_000489.6 (MANE Select); coding-DNA position 35, A replaced by G.
Protein change: p.Asn12Ser; replaces asparagine 12 with serine.
Molecular consequence: missense variant.
Genome position (GRCh38, 1-based): chrX:77,717,229, T>C on the plus strand (A>G on the coding strand, the complement: ATRX is on the minus strand). VCF-style: chrX-77717229-T-C. GRCh37 (hg19) VCF-style: chrX-76972706-T-C.
Other names: p.Asn12Ser; c.35A>G (NM_000489.5, NM_000489.3); c.35A>G, p.Asn12Ser (NM_138270.5); short protein forms N12S.
Identifiers: ClinVar variation 965277 (VCV000965277.27), dbSNP rs782399326, ClinGen allele CA10458393.

ClinVar aggregate classification (germline): Likely benign. Review status: criteria provided, multiple submitters, no conflicts (2 of 4 stars). 4 submissions from 4 submitters: Likely benign (4). Last evaluated 2026-07-01.

Conditions:
Alpha thalassemia-X-linked intellectual disability syndrome (ATRX). Also called: ALPHA-THALASSEMIA/MENTAL RETARDATION SYNDROME, X-LINKED; ATR, NONDELETION TYPE; ATR-X syndrome; Alpha thalassemia mental retardation syndrome, nondeletion type, X-linked; XLMR hypotonic face syndrome; X-linked alpha-thalassemia-mental retardation syndrome. Identifiers: Orphanet 847, MedGen C1845055, MONDO:0010519, OMIM 301040.
Inborn genetic diseases. Identifiers: MedGen C0950123, MeSH D030342.

Allele frequency attached by ClinVar (database versions not stated): gnomAD exomes 0.00001 and 0.00007; ExAC 0.00001; gnomAD 0.00003; TOPMed 0.00005.

Submissions (4):

CeGaT Center for Human Genetics Tuebingen
Classification: Likely benign. Last evaluated: 2026-07-01. Review status: criteria provided, single submitter. Criteria: CeGaT Center For Human Genetics Tuebingen Variant Classification Criteria Version 2. Collection method: clinical testing. Allele origin: germline. Affected: yes. Observed: 2 variant alleles.
Comment: ATRX: BS2

Mayo Clinic Laboratories, Mayo Clinic
Classification: Likely benign. Last evaluated: 2025-09-26. Review status: criteria provided, single submitter. Criteria: ACMG Guidelines, 2015. Collection method: clinical testing. Allele origin: germline. Observed: 1 variant allele.
Comment: BS2

Ambry Genetics
Classification: Likely benign for Inborn genetic diseases. Last evaluated: 2025-08-13. Review status: criteria provided, single submitter. Criteria: Ambry Variant Classification Scheme 2023. Collection method: clinical testing. Allele origin: germline.

Labcorp Genetics (formerly Invitae), Labcorp
Classification: Likely benign for Alpha thalassemia-X-linked intellectual disability syndrome. Last evaluated: 2024-01-25. Review status: criteria provided, single submitter. Criteria: Invitae Variant Classification Sherloc (09022015). Collection method: clinical testing. Allele origin: germline.